The following is an entry in ClinVar:

ClinVar aggregate classification (germline): Uncertain significance. Review status: criteria provided, multiple submitters, no conflicts (2 of 4 stars). 4 submissions from 4 submitters: Uncertain significance (4). Last evaluated 2026-01-29.

Conditions:
Cardiovascular phenotype. Identifiers: MedGen CN230736.
Naxos disease (NXD). Also called: CARDIOMYOPATHY, ARRHYTHMOGENIC RIGHT VENTRICULAR, WITH SKIN, HAIR, AND NAIL ABNORMALITIES; PALMOPLANTAR KERATODERMA WITH ARRHYTHMOGENIC RIGHT VENTRICULAR CARDIOMYOPATHY AND WOOLLY HAIR; WOOLLY HAIR, PALMOPLANTAR KERATODERMA, AND CARDIAC ABNORMALITIES; KERATOSIS PALMOPLANTARIS WITH ARRHYTHMOGENIC CARDIOMYOPATHY; MAL DE NAXOS. Identifiers: Orphanet 34217, MedGen C1832600, MONDO:0011017, OMIM 601214.
Arrhythmogenic right ventricular dysplasia 12. Also called: ARRHYTHMOGENIC RIGHT VENTRICULAR DYSPLASIA, FAMILIAL, 12. Identifiers: MedGen C1969081, MONDO:0012684, OMIM 611528.

Allele frequency attached by ClinVar (database versions not stated): gnomAD exomes below 0.00001 and 0.00001; ExAC 0.00001; gnomAD 0.00002 and 0.00003; TOPMed 0.00003.
gnomAD v4.1: 7 of 1,614,000 alleles (0.00043%); highest among the groups gnomAD compares: African/African-American, 0.008%; no homozygotes.

Submissions (4):

Labcorp Genetics (formerly Invitae), Labcorp
Classification: Uncertain significance for Arrhythmogenic right ventricular dysplasia 12; Naxos disease. Last evaluated: 2026-01-29. Review status: criteria provided, single submitter. Criteria: Invitae Variant Classification Sherloc (09022015). Collection method: clinical testing. Allele origin: germline.
Comment: This sequence change replaces glutamine, which is neutral and polar, with histidine, which is basic and polar, at codon 317 of the JUP protein (p.Gln317His). The frequency data for this variant in the population databases is considered unreliable, as metrics indicate poor data quality at this position in the gnomAD database. This variant has not been reported in the literature in individuals affected with JUP-related conditions. ClinVar contains an entry for this variant (Variation ID: 1445599). An algorithm developed to predict the effect of missense changes on protein structure and function outputs the following: PolyPhen-2: "Benign". The histidine amino acid residue is found in multiple mammalian species, which suggests that this missense change does not adversely affect protein function. In summary, the available evidence is currently insufficient to determine the role of this variant in disease. Therefore, it has been classified as a Variant of Uncertain Significance.

Ambry Genetics
Classification: Uncertain significance for Cardiovascular phenotype. Last evaluated: 2025-08-30. Review status: criteria provided, single submitter. Criteria: Ambry Variant Classification Scheme 2023. Collection method: clinical testing. Allele origin: germline.
Comment: The p.Q317H variant (also known as c.951G>C), located in coding exon 5 of the JUP gene, results from a G to C substitution at nucleotide position 951. The glutamine at codon 317 is replaced by histidine, an amino acid with highly similar properties. This amino acid position is not well conserved in available vertebrate species, and histidine is the reference amino acid in other vertebrate species. In addition, this alteration is predicted to be tolerated by in silico analysis. Since supporting evidence is limited at this time, the clinical significance of this alteration remains unclear.

GeneDx
Classification: Uncertain significance. Last evaluated: 2024-03-28. Review status: criteria provided, single submitter. Criteria: GeneDx Variant Classification Process June 2021. Collection method: clinical testing. Allele origin: germline. Affected: yes.
Comment: Has not been previously published as pathogenic or benign to our knowledge; Not observed at significant frequency in large population cohorts (gnomAD); In silico analysis supports that this missense variant does not alter protein structure/function

Women's Health and Genetics/Laboratory Corporation of America, LabCorp
Classification: Uncertain significance. Last evaluated: 2023-04-17. Review status: criteria provided, single submitter. Criteria: LabCorp Variant Classification Summary - May 2015. Collection method: clinical testing. Allele origin: germline.

NM_002230.4(JUP):c.951G>C (p.Gln317His)

Gene: JUP (junction plakoglobin; minus strand). Cytogenetic location: 17q21.2.
Variant type: single nucleotide variant.
Coding change: c.951G>C on transcript NM_002230.4 (MANE Select); coding-DNA position 951, G replaced by C.
Protein change: p.Gln317His; replaces glutamine 317 with histidine.
Molecular consequence: missense variant.
Genome position (GRCh38, 1-based): chr17:41,765,026, C>G on the plus strand (G>C on the coding strand, the complement: JUP is on the minus strand). VCF-style: chr17-41765026-C-G. GRCh37 (hg19) VCF-style: chr17-39921278-C-G.
Other names: c.951G>C, p.Gln317His (NM_001352775.2, NM_001352776.2, NM_001352777.2 and 3 more transcripts); c.951G>C (NM_021991.2); short protein forms Q317H.
Identifiers: ClinVar variation 1445599 (VCV001445599.11), dbSNP rs782215140, ClinGen allele CA8565331.